The following is an entry in ClinVar:

ClinVar aggregate classification (germline): Uncertain significance (1 of 4 stars; one submission).

gnomAD v4.1: 41 of 1,613,774 alleles (0.0025%); highest among the groups gnomAD compares: Non-Finnish European, 0.0034%; no homozygotes.

Submission:

Labcorp Genetics (formerly Invitae), Labcorp
Classification: Uncertain significance. Last evaluated: 2024-09-26. Review status: criteria provided, single submitter. Criteria: Invitae Variant Classification Sherloc (09022015). Collection method: clinical testing. Allele origin: germline.
Comment: This sequence change replaces aspartic acid, which is acidic and polar, with glutamic acid, which is acidic and polar, at codon 2042 of the VCAN protein (p.Asp2042Glu). This variant is present in population databases (rs138910265, gnomAD 0.002%). This variant has not been reported in the literature in individuals affected with VCAN-related conditions. ClinVar contains an entry for this variant (Variation ID: 1360537). An algorithm developed to predict the effect of missense changes on protein structure and function outputs the following: PolyPhen-2: "Benign". The glutamic acid amino acid residue is found in multiple mammalian species, which suggests that this missense change does not adversely affect protein function. In summary, the available evidence is currently insufficient to determine the role of this variant in disease. Therefore, it has been classified as a Variant of Uncertain Significance.

NM_004385.5(VCAN):c.6126C>A (p.Asp2042Glu)

Genes: VCAN (versican; plus strand), VCAN-AS1 (VCAN antisense RNA 1; minus strand). Cytogenetic location: 5q14.3.
Variant type: single nucleotide variant.
Coding change: c.6126C>A on transcript NM_004385.5 (MANE Select); coding-DNA position 6126, C replaced by A.
Protein change: p.Asp2042Glu; replaces aspartic acid 2042 with glutamic acid.
Molecular consequence: missense variant. On other transcripts: intron variant (2).
Genome position (GRCh38, 1-based): chr5:83,539,129, C>A. VCF-style: chr5-83539129-C-A. GRCh37 (hg19) VCF-style: chr5-82834948-C-A.
Other names: c.3165C>A, p.Asp1055Glu (NM_001164097.2); c.4004-6408C>A (NM_001164098.2); c.1043-6408C>A (NM_001126336.3); short protein forms D1055E, D2042E.
Identifiers: ClinVar variation 1360537 (VCV001360537.6), dbSNP rs138910265, ClinGen allele CA3333435.